The following is an entry in ClinVar:

NM_001009944.3(PKD1):c.2500G>A (p.Gly834Ser)

Gene: PKD1 (polycystin 1, transient receptor potential channel interacting; minus strand). Cytogenetic location: 16p13.3.
Variant type: single nucleotide variant.
Coding change: c.2500G>A on transcript NM_001009944.3 (MANE Select); coding-DNA position 2500, G replaced by A.
Protein change: p.Gly834Ser; replaces glycine 834 with serine.
Molecular consequence: missense variant.
Genome position (GRCh38, 1-based): chr16:2,114,523, C>T on the plus strand (G>A on the coding strand, the complement: PKD1 is on the minus strand). VCF-style: chr16-2114523-C-T. GRCh37 (hg19) VCF-style: chr16-2164524-C-T.
Other names: c.2500G>A, p.Gly834Ser (NM_000296.4); c.2500G>A (NM_000296.3); short protein forms G834S.
Identifiers: ClinVar variation 397605 (VCV000397605.6), dbSNP rs766302578, ClinGen allele CA7833191.

ClinVar aggregate classification (germline): Uncertain significance. Review status: criteria provided, multiple submitters, no conflicts (2 of 4 stars). 3 submissions from 3 submitters: Uncertain significance (2). 1 of the submissions does not count toward it. Last evaluated 2026-04-07.

Conditions:
Inborn genetic diseases. Identifiers: MedGen C0950123, MeSH D030342.
Polycystic kidney disease, adult type (PKD1). Also called: POLYCYSTIC KIDNEY DISEASE, ADULT, TYPE I; Polycystic Kidney, Autosomal Dominant; POLYCYSTIC KIDNEY DISEASE 1 WITH OR WITHOUT POLYCYSTIC LIVER DISEASE; Polycystic Kidney Disease 1, Autosomal Dominant; Polycystic kidney disease 1; Polycystic kidney disease 1, severe. Identifiers: MedGen C3149841, MONDO:0008263, OMIM 173900.

Allele frequency attached by ClinVar (database versions not stated): gnomAD exomes 0.00005 and 0.00004; gnomAD 0.00007; ExAC 0.00006; TOPMed 0.00009.
gnomAD v4.1: 75 of 1,594,292 alleles (0.0047%); highest among the groups gnomAD compares: African/African-American, 0.024%; no homozygotes.

Submissions (3):

GeneDx
Classification: Uncertain significance. Last evaluated: 2026-04-07. Review status: criteria provided, single submitter. Criteria: GeneDx Variant Classification Process June 2021. Collection method: clinical testing. Allele origin: germline.
Comment: In silico analysis suggests that this missense variant does not alter protein structure/function; Has not been previously published as pathogenic or benign to our knowledge

Ambry Genetics
Classification: Uncertain significance for Inborn genetic diseases. Last evaluated: 2025-02-19. Review status: criteria provided, single submitter. Criteria: Ambry Variant Classification Scheme 2023. Collection method: clinical testing. Allele origin: germline.

Bioscientia Institut fuer Medizinische Diagnostik GmbH, Sonic Healthcare
Classification: Uncertain significance for Polycystic kidney disease, adult type. Review status: no assertion criteria provided. Collection method: clinical testing. Allele origin: germline. Affected: yes. Not counted in ClinVar's aggregate classification.